The following is an entry in ClinVar:

ClinVar aggregate classification (germline): Uncertain significance (1 of 4 stars; one submission).

Conditions:
Ehlers-Danlos syndrome, type 4 (EDSVASC). Also called: Ehlers-Danlos syndrome vascular type; Ehlers Danlos syndrome, ecchymotic type; Ehlers Danlos syndrome, arterial type; Ehlers Danlos syndrome, Sack-Barabas type; Ehlers-Danlos Syndrome Type IV. Identifiers: Orphanet 286, MedGen C0268338, MONDO:0017314, OMIM 130050.

Allele frequency attached by ClinVar (database versions not stated): gnomAD exomes below 0.00001.
gnomAD v4.1: 1 of 1,614,144 alleles (0.000062%); highest among the groups gnomAD compares: Non-Finnish European, 0.000085%; no homozygotes.

Submission:

Labcorp Genetics (formerly Invitae), Labcorp
Classification: Uncertain significance for Ehlers-Danlos syndrome, type 4. Last evaluated: 2024-01-18. Review status: criteria provided, single submitter. Criteria: Invitae Variant Classification Sherloc (09022015). Collection method: clinical testing. Allele origin: germline.
Comment: This sequence change replaces glutamine, which is neutral and polar, with histidine, which is basic and polar, at codon 1127 of the COL3A1 protein (p.Gln1127His). This variant is not present in population databases (gnomAD no frequency). This missense change has been observed in individual(s) with clinical features of COL3A1-related conditions (Invitae). Advanced modeling of protein sequence and biophysical properties (such as structural, functional, and spatial information, amino acid conservation, physicochemical variation, residue mobility, and thermodynamic stability) performed at Invitae indicates that this missense variant is not expected to disrupt COL3A1 protein function with a negative predictive value of 95%. In summary, the available evidence is currently insufficient to determine the role of this variant in disease. Therefore, it has been classified as a Variant of Uncertain Significance.

NM_000090.4(COL3A1):c.3381G>T (p.Gln1127His)

Gene: COL3A1 (collagen type III alpha 1 chain; plus strand). Cytogenetic location: 2q32.2.
Variant type: single nucleotide variant.
Coding change: c.3381G>T on transcript NM_000090.4 (MANE Select); coding-DNA position 3381, G replaced by T.
Protein change: p.Gln1127His; replaces glutamine 1127 with histidine.
Molecular consequence: missense variant.
Genome position (GRCh38, 1-based): chr2:189,007,902, G>T. VCF-style: chr2-189007902-G-T. GRCh37 (hg19) VCF-style: chr2-189872628-G-T.
Other names: short protein forms Q1127H.
Identifiers: ClinVar variation 2999002 (VCV002999002.3), dbSNP rs1688630918, ClinGen allele CA349846081.